The following is an entry in ClinVar:

NM_032806.6(POMGNT2):c.1570G>A (p.Val524Met)

Gene: POMGNT2 (protein O-linked mannose N-acetylglucosaminyltransferase 2 (beta 1,4-); minus strand). Cytogenetic location: 3p22.1.
Variant type: single nucleotide variant.
Coding change: c.1570G>A on transcript NM_032806.6 (MANE Select); coding-DNA position 1570, G replaced by A.
Protein change: p.Val524Met; replaces valine 524 with methionine.
Molecular consequence: missense variant.
Genome position (GRCh38, 1-based): chr3:43,079,862, C>T on the plus strand (G>A on the coding strand, the complement: POMGNT2 is on the minus strand). VCF-style: chr3-43079862-C-T. GRCh37 (hg19) VCF-style: chr3-43121354-C-T.
Other names: short protein forms V524M.
Identifiers: ClinVar variation 2014747 (VCV002014747.4), dbSNP rs768998782, ClinGen allele CA2339819.

ClinVar aggregate classification (germline): Uncertain significance (1 of 4 stars; one submission).

Conditions:
Muscular dystrophy-dystroglycanopathy (congenital with brain and eye anomalies), type a, 8 (MDDGA8). Also called: WALKER-WARBURG SYNDROME OR MUSCLE-EYE-BRAIN DISEASE, GTDC2-RELATED. Identifiers: Orphanet 899, MedGen C3553813, MONDO:0013904, OMIM 614830.

Allele frequency attached by ClinVar (database versions not stated): ExAC 0.00001.
gnomAD v4.1: 1 of 1,614,202 alleles (0.000062%); highest among the groups gnomAD compares: Admixed American, 0.0017%; no homozygotes.

Submission:

Labcorp Genetics (formerly Invitae), Labcorp
Classification: Uncertain significance for Muscular dystrophy-dystroglycanopathy (congenital with brain and eye anomalies), type a, 8. Last evaluated: 2022-07-06. Review status: criteria provided, single submitter. Criteria: Invitae Variant Classification Sherloc (09022015). Collection method: clinical testing. Allele origin: germline.
Comment: In summary, the available evidence is currently insufficient to determine the role of this variant in disease. Therefore, it has been classified as a Variant of Uncertain Significance. Algorithms developed to predict the effect of missense changes on protein structure and function are either unavailable or do not agree on the potential impact of this missense change (SIFT: "Deleterious"; PolyPhen-2: "Probably Damaging"; Align-GVGD: "Class C15"). This variant has not been reported in the literature in individuals affected with POMGNT2-related conditions. This variant is present in population databases (rs768998782, gnomAD 0.003%). This sequence change replaces valine, which is neutral and non-polar, with methionine, which is neutral and non-polar, at codon 524 of the POMGNT2 protein (p.Val524Met).